The following is an entry in ClinVar:

NM_018834.6(MATR3):c.1778+5T>C

Genes: MATR3 (matrin 3; plus strand), LOC126807526 (CDK7 strongly-dependent group 2 enhancer GRCh37_chr5:138657767-138658966; plus strand). Cytogenetic location: 5q31.2.
Variant type: single nucleotide variant.
Coding change: c.1778+5T>C on transcript NM_018834.6 (MANE Select); 5 bases into the intron after coding-DNA position 1778, T replaced by C.
Molecular consequence: intron variant.
Genome position (GRCh38, 1-based): chr5:139,322,511, T>C. VCF-style: chr5-139322511-T-C. GRCh37 (hg19) VCF-style: chr5-138658200-T-C.
Other names: c.1778+5T>C (NM_199189.3, NM_001194954.2, NM_001194955.2); c.764+5T>C (NM_001282278.2); c.914+5T>C (NM_001194956.2).
Identifiers: ClinVar variation 965833 (VCV000965833.9), dbSNP rs377212154, ClinGen allele CA3433235.

ClinVar aggregate classification (germline): Uncertain significance. Review status: criteria provided, multiple submitters, no conflicts (2 of 4 stars). 2 submissions from 2 submitters: Uncertain significance (2). Last evaluated 2025-08-11.

Conditions:
Amyotrophic lateral sclerosis type 21. Also called: VOCAL CORD AND PHARYNGEAL DYSFUNCTION WITH DISTAL MYOPATHY; MYOPATHY, DISTAL, 2. Identifiers: Orphanet 600, Orphanet 803, MedGen C3807521, MONDO:0011632, OMIM 606070.

Allele frequency attached by ClinVar (database versions not stated): ExAC 0.00002; gnomAD 0.00003 and 0.00004; gnomAD exomes 0.00003 and 0.00012; TOPMed 0.00003; ESP Exome Variant Server 0.00008.
gnomAD v4.1: 170 of 1,575,030 alleles (0.011%); highest among the groups gnomAD compares: Non-Finnish European, 0.014%; no homozygotes.

Submissions (2):

Labcorp Genetics (formerly Invitae), Labcorp
Classification: Uncertain significance for Amyotrophic lateral sclerosis type 21. Last evaluated: 2025-08-11. Review status: criteria provided, single submitter. Criteria: Invitae Variant Classification Sherloc (09022015). Collection method: clinical testing. Allele origin: germline.
Comment: This sequence change falls in intron 14 of the MATR3 gene. It does not directly change the encoded amino acid sequence of the MATR3 protein. It affects a nucleotide within the consensus splice site. The frequency data for this variant in the population databases is considered unreliable, as metrics indicate poor data quality at this position in the gnomAD database. This variant has been observed in individual(s) with clinical features of distal myopathy (internal data). ClinVar contains an entry for this variant (Variation ID: 965833). Variants that disrupt the consensus splice site are a relatively common cause of aberrant splicing (PMID: 17576681, 9536098). Algorithms developed to predict the effect of sequence changes on RNA splicing suggest that this variant is not likely to affect RNA splicing. In summary, the available evidence is currently insufficient to determine the role of this variant in disease. Therefore, it has been classified as a Variant of Uncertain Significance.

Daryl Scott Lab, Baylor College of Medicine
Classification: Uncertain significance for Amyotrophic lateral sclerosis type 21. Last evaluated: 2024-01-01. Review status: criteria provided, single submitter. Criteria: ACMG Guidelines, 2015. Collection method: clinical testing. Allele origin: paternal. Observed: 1 heterozygote.
Comment: BP4

Literature cited by the submitters: PubMed 17576681 (cited by Labcorp Genetics (formerly Invitae), Labcorp); PubMed 9536098 (cited by Labcorp Genetics (formerly Invitae), Labcorp).